The following is an entry in ClinVar:

NM_000088.4(COL1A1):c.4011G>C (p.Glu1337Asp)

Gene: COL1A1 (collagen type I alpha 1 chain; minus strand). Cytogenetic location: 17q21.33.
Variant type: single nucleotide variant.
Coding change: c.4011G>C on transcript NM_000088.4 (MANE Select); coding-DNA position 4011, G replaced by C.
Protein change: p.Glu1337Asp; replaces glutamic acid 1337 with aspartic acid.
Molecular consequence: missense variant.
Genome position (GRCh38, 1-based): chr17:50,186,015, C>G on the plus strand (G>C on the coding strand, the complement: COL1A1 is on the minus strand). VCF-style: chr17-50186015-C-G. GRCh37 (hg19) VCF-style: chr17-48263376-C-G.
Other names: short protein forms E1337D.
Identifiers: ClinVar variation 3900840 (VCV003900840.1).

ClinVar aggregate classification (germline): Uncertain significance (1 of 4 stars; one submission).

Submission:

GeneDx
Classification: Uncertain significance. Last evaluated: 2024-11-27. Review status: criteria provided, single submitter. Criteria: GeneDx Variant Classification Process June 2021. Collection method: clinical testing. Allele origin: germline. Affected: yes.
Comment: Not observed at significant frequency in large population cohorts (gnomAD); In silico analysis indicates that this missense variant does not alter protein structure/function; Not located in the triple helical region, where the majority of pathogenic missense variants occur (HGMD); Has not been previously published as pathogenic or benign to our knowledge